The following is an entry in ClinVar:

NM_020928.2(ZSWIM6):c.1672G>A (p.Gly558Arg)

Gene: ZSWIM6 (zinc finger SWIM-type containing 6; plus strand). Cytogenetic location: 5q12.1.
Variant type: single nucleotide variant.
Coding change: c.1672G>A on transcript NM_020928.2 (MANE Select); coding-DNA position 1672, G replaced by A.
Protein change: p.Gly558Arg; replaces glycine 558 with arginine.
Molecular consequence: missense variant.
Genome position (GRCh38, 1-based): chr5:61,525,958, G>A. VCF-style: chr5-61525958-G-A. GRCh37 (hg19) VCF-style: chr5-60821785-G-A.
Other names: c.1672G>A (NM_020928.1); short protein forms G558R.
Identifiers: ClinVar variation 2712698 (VCV002712698.4), dbSNP rs554100724, ClinGen allele CA3278373.
Genomic context (GRCh38, chr5:61,525,958, plus strand): 5'-GACCTATACACCAACTACTGTTACCATGACGACACTGAAAACTCCCTCTTCGACTCCCGC[G>A]GGTGGCCCCTCTGGCATGGTAAGTGACCAAACCGGAAAGACATTTCCATGACTTACTTCT-3'
Protein context (NP_065979.1, residues 548-568): DTENSLFDSR[Gly558Arg]WPLWHEHVPT

ClinVar aggregate classification (germline): Uncertain significance. Review status: criteria provided, multiple submitters, no conflicts (2 of 4 stars). 2 submissions from 2 submitters: Uncertain significance (2). Last evaluated 2025-07-06.

Conditions:
Inborn genetic diseases. Identifiers: MedGen C0950123, MeSH D030342.

Allele frequency attached by ClinVar (database versions not stated): ExAC 0.00004; 1000 Genomes Project 30x 0.00016; 1000 Genomes Project 0.00020.
gnomAD v4.1: 23 of 1,552,078 alleles (0.0015%); highest among the groups gnomAD compares: South Asian, 0.015%; no homozygotes.

Submissions (2):

Labcorp Genetics (formerly Invitae), Labcorp
Classification: Uncertain significance. Last evaluated: 2025-07-06. Review status: criteria provided, single submitter. Criteria: Invitae Variant Classification Sherloc (09022015). Collection method: clinical testing. Allele origin: germline.
Comment: This sequence change replaces glycine, which is neutral and non-polar, with arginine, which is basic and polar, at codon 558 of the ZSWIM6 protein (p.Gly558Arg). This variant is present in population databases (rs554100724, gnomAD 0.009%). This variant has not been reported in the literature in individuals affected with ZSWIM6-related conditions. ClinVar contains an entry for this variant (Variation ID: 2712698). An algorithm developed to predict the effect of missense changes on protein structure and function (PolyPhen-2) suggests that this variant is likely to be disruptive. In summary, the available evidence is currently insufficient to determine the role of this variant in disease. Therefore, it has been classified as a Variant of Uncertain Significance.

Ambry Genetics
Classification: Uncertain significance for Inborn genetic diseases. Last evaluated: 2025-06-18. Review status: criteria provided, single submitter. Criteria: Ambry Variant Classification Scheme 2023. Collection method: clinical testing. Allele origin: germline.